The following is an entry in ClinVar:

ClinVar aggregate classification (germline): Uncertain significance (1 of 4 stars; one submission).

gnomAD v4.1: 8 of 1,614,060 alleles (0.0005%); highest among the groups gnomAD compares: South Asian, 0.0011%; no homozygotes.

Submission:

Labcorp Genetics (formerly Invitae), Labcorp
Classification: Uncertain significance. Last evaluated: 2024-10-28. Review status: criteria provided, single submitter. Criteria: Invitae Variant Classification Sherloc (09022015). Collection method: clinical testing. Allele origin: germline.
Comment: This sequence change replaces valine, which is neutral and non-polar, with phenylalanine, which is neutral and non-polar, at codon 116 of the NDUFAF1 protein (p.Val116Phe). This variant is not present in population databases (gnomAD no frequency). This variant has not been reported in the literature in individuals affected with NDUFAF1-related conditions. Invitae Evidence Modeling of protein sequence and biophysical properties (such as structural, functional, and spatial information, amino acid conservation, physicochemical variation, residue mobility, and thermodynamic stability) indicates that this missense variant is not expected to disrupt NDUFAF1 protein function with a negative predictive value of 80%. In summary, the available evidence is currently insufficient to determine the role of this variant in disease. Therefore, it has been classified as a Variant of Uncertain Significance.

NM_016013.4(NDUFAF1):c.346G>T (p.Val116Phe)

Gene: NDUFAF1 (NADH:ubiquinone oxidoreductase complex assembly factor 1; minus strand). Cytogenetic location: 15q15.1.
Variant type: single nucleotide variant.
Coding change: c.346G>T on transcript NM_016013.4 (MANE Select); coding-DNA position 346, G replaced by T.
Protein change: p.Val116Phe; replaces valine 116 with phenylalanine.
Molecular consequence: missense variant. On other transcripts: non-coding transcript variant (1).
Genome position (GRCh38, 1-based): chr15:41,396,714, C>A on the plus strand (G>T on the coding strand, the complement: NDUFAF1 is on the minus strand). VCF-style: chr15-41396714-C-A. GRCh37 (hg19) VCF-style: chr15-41688912-C-A.
Other names: short protein forms V116F.
Identifiers: ClinVar variation 3696143 (VCV003696143.2).